The following is an entry in ClinVar:

NM_022041.4(GAN):c.633+2T>C

Gene: GAN (gigaxonin; plus strand). Cytogenetic location: 16q23.2.
Variant type: single nucleotide variant.
Coding change: c.633+2T>C on transcript NM_022041.4 (MANE Select); the canonical splice donor site of the intron after coding-DNA position 633, T replaced by C.
Molecular consequence: splice donor variant.
Genome position (GRCh38, 1-based): chr16:81,354,757, T>C. VCF-style: chr16-81354757-T-C. GRCh37 (hg19) VCF-style: chr16-81388362-T-C.
Other names: c.-7+2T>C (NM_001377486.1).
Identifiers: ClinVar variation 245920 (VCV000245920.2), dbSNP rs879254001, ClinGen allele CA10584538.
Genomic context (GRCh38, chr16:81,354,757, plus strand): 5'-AAAGATATGTCTTTGAAGCAGTAATTCGATGGATAGCACATGATACAGAAATAAGAAAGG[T>C]ACCTGTCATTTATAACATGGTCAAATTTGCCTTTTTATTTCTTTTTAATTCAAATTTTAG-3'

ClinVar aggregate classification (germline): Pathogenic (1 of 4 stars; one submission).

Allele frequency attached by ClinVar (database versions not stated): gnomAD exomes below 0.00001.
gnomAD v4.1: 1 of 1,522,092 alleles (0.000066%); highest among the groups gnomAD compares: Non-Finnish European, 0.000091%; no homozygotes.

Submission:

GeneDx
Classification: Pathogenic. Last evaluated: 2015-09-17. Review status: criteria provided, single submitter. Criteria: GeneDx Variant Classification (06012015). Collection method: clinical testing. Allele origin: germline. Affected: yes.
Comment: The c.633+2 T>C splice site variant in the GAN gene destroys the canonical splice donor site in intron 3. It is predicted to cause abnormal gene splicing, either leading to an abnormal message that is subject to nonsense-mediated mRNA decay, or to an abnormal protein product if the message is used for protein translation. It was not observed in approximately 6,500 individuals of European and African American ancestry in the NHLBI Exome Sequencing Project, indicating it is not a common benign variant in these populations. Although this mutation has not been previously reported to our knowledge, other canonical splice donor site mutations have been reported in GAN in association with inherited neuropathy. Therefore, c.633+2 T>C is interpreted to be a disease-causing variant